The following is an entry in ClinVar:

ClinVar aggregate classification (germline): Uncertain significance. Review status: criteria provided, multiple submitters, no conflicts (2 of 4 stars). 2 submissions from 2 submitters: Uncertain significance (2). Last evaluated 2025-10-16.

Conditions:
Familial sleep-related hypermotor epilepsy. Also called: Autosomal Dominant Sleep-Related Hypermotor (Hyperkinetic) Epilepsy. Identifiers: Orphanet 98784, MedGen C3696898, MONDO:0000030.
Autosomal dominant nocturnal frontal lobe epilepsy 3. Also called: CHRNB2-Related Nocturnal Frontal Lobe Epilepsy, Autosomal Dominant. Identifiers: Orphanet 98784, MedGen C1854335, MONDO:0011545, OMIM 605375.

Allele frequency attached by ClinVar (database versions not stated): gnomAD exomes below 0.00001.
gnomAD v4.1: 2 of 1,613,852 alleles (0.00012%); highest among the groups gnomAD compares: Middle Eastern, 0.017%; no homozygotes.

Submissions (2):

Labcorp Genetics (formerly Invitae), Labcorp
Classification: Uncertain significance. Last evaluated: 2025-10-16. Review status: criteria provided, single submitter. Criteria: Invitae Variant Classification Sherloc (09022015). Collection method: clinical testing. Allele origin: germline.
Comment: This sequence change replaces leucine, which is neutral and non-polar, with phenylalanine, which is neutral and non-polar, at codon 36 of the CHRNB2 protein (p.Leu36Phe). This variant is not present in population databases (gnomAD no frequency). This variant has not been reported in the literature in individuals affected with CHRNB2-related conditions. ClinVar contains an entry for this variant (Variation ID: 566514). Invitae Evidence Modeling of protein sequence and biophysical properties (such as structural, functional, and spatial information, amino acid conservation, physicochemical variation, residue mobility, and thermodynamic stability) indicates that this missense variant is expected to disrupt CHRNB2 protein function with a positive predictive value of 80%. In summary, the available evidence is currently insufficient to determine the role of this variant in disease. Therefore, it has been classified as a Variant of Uncertain Significance.

Juno Genomics, Hangzhou Juno Genomics, Inc
Classification: Uncertain significance for Autosomal dominant nocturnal frontal lobe epilepsy 3. Review status: criteria provided, single submitter. Criteria: ACMG Guidelines, 2015. Collection method: clinical testing. Allele origin: germline. Affected: yes.
Comment: Absent from controls (or at extremely low frequency if recessive) in Genome Aggregation Database, Exome Sequencing Project, 1000 Genomes Project, or Exome Aggregation Consortium.;Multiple lines of computational evidence support a deleterious effect on the gene or gene product (conservation, evolutionary, splicing impact, etc).;Patient's phenotype or family history is highly specific for a disease with a single genetic etiology.

NM_000748.3(CHRNB2):c.106C>T (p.Leu36Phe)

Gene: CHRNB2 (cholinergic receptor nicotinic beta 2 subunit; plus strand). Cytogenetic location: 1q21.3.
Variant type: single nucleotide variant.
Coding change: c.106C>T on transcript NM_000748.3 (MANE Select); coding-DNA position 106, C replaced by T.
Protein change: p.Leu36Phe; replaces leucine 36 with phenylalanine.
Molecular consequence: missense variant.
Genome position (GRCh38, 1-based): chr1:154,569,503, C>T. VCF-style: chr1-154569503-C-T. GRCh37 (hg19) VCF-style: chr1-154541979-C-T.
Other names: short protein forms L36F.
Identifiers: ClinVar variation 566514 (VCV000566514.11), dbSNP rs1557850747, ClinGen allele CA342629253.
Genomic context (GRCh38, chr1:154,569,503, plus strand): 5'-CTGCCTTTCCCCTGCCCAGGGGTGTGGGGTACGGATACAGAGGAGCGGCTGGTGGAGCAT[C>T]TCCTGGATCCTTCCCGCTACAACAAGCTTATCCGCCCAGCCACCAATGGCTCTGAGCTGG-3'
Protein context (NP_000739.1, residues 26-46): TDTEERLVEH[Leu36Phe]LDPSRYNKLI